The following is an entry in ClinVar:

ClinVar aggregate classification (germline): Benign/Likely benign. Review status: criteria provided, multiple submitters, no conflicts (2 of 4 stars). 5 submissions from 5 submitters: Benign (1); Likely benign (4). Last evaluated 2025-08-05.

Conditions:
Breast-ovarian cancer, familial, susceptibility to, 4. Identifiers: Orphanet 145, MedGen C3280345, MONDO:0013669, OMIM 614291.
Hereditary cancer-predisposing syndrome. Also called: Tumor predisposition; Neoplastic Syndromes, Hereditary; Hereditary neoplastic syndrome; Hereditary Cancer Syndrome. Identifiers: Orphanet 140162, MedGen C0027672, MeSH D009386, MONDO:0015356.

Allele frequency attached by ClinVar (database versions not stated): gnomAD exomes 0.00001.
gnomAD v4.1: 4 of 1,614,178 alleles (0.00025%); highest among the groups gnomAD compares: Non-Finnish European, 0.00034%; no homozygotes.

Submissions (5):

Labcorp Genetics (formerly Invitae), Labcorp
Classification: Likely benign for Breast-ovarian cancer, familial, susceptibility to, 4. Last evaluated: 2025-08-05. Review status: criteria provided, single submitter. Criteria: Invitae Variant Classification Sherloc (09022015). Collection method: clinical testing. Allele origin: germline.

Myriad Genetics, Inc.
Classification: Benign for Breast-ovarian cancer, familial, susceptibility to, 4. Last evaluated: 2025-02-21. Review status: criteria provided, single submitter. Criteria: Myriad Autosomal Dominant, Autosomal Recessive and X-Linked Classification Criteria (2023). Collection method: clinical testing. Allele origin: unknown.
Comment: This variant is considered benign. This variant is a silent/synonymous amino acid change and it is not expected to impact splicing.

Color Diagnostics, LLC DBA Color Health
Classification: Likely benign for Hereditary cancer-predisposing syndrome. Last evaluated: 2023-05-31. Review status: criteria provided, single submitter. Criteria: ACMG Guidelines, 2015. Collection method: clinical testing. Allele origin: germline.

Ambry Genetics
Classification: Likely benign for Hereditary cancer-predisposing syndrome. Last evaluated: 2019-06-21. Review status: criteria provided, single submitter. Criteria: Ambry Variant Classification Scheme 2023. Collection method: clinical testing. Allele origin: germline.

GeneDx
Classification: Likely benign. Last evaluated: 2018-12-28. Review status: criteria provided, single submitter. Criteria: GeneDx Variant Classification Process June 2021. Collection method: clinical testing. Allele origin: germline. Affected: yes.

NM_002878.4(RAD51D):c.456T>C (p.Ala152=)

Genes: RAD51D (RAD51 paralog D; minus strand), RAD51L3-RFFL (RAD51L3-RFFL readthrough; minus strand). Cytogenetic location: 17q12.
Variant type: single nucleotide variant.
Coding change: c.456T>C on transcript NM_002878.4 (MANE Select); coding-DNA position 456, T replaced by C.
Protein change: p.Ala152=; no amino-acid change (alanine 152 retained).
Molecular consequence: synonymous variant. On other transcripts: non-coding transcript variant (1), intron variant (1).
Genome position (GRCh38, 1-based): chr17:35,107,012, A>G on the plus strand (T>C on the coding strand, the complement: RAD51D is on the minus strand). VCF-style: chr17-35107012-A-G. GRCh37 (hg19) VCF-style: chr17-33434031-A-G.
Other names: c.516T>C, p.Ala172= (NM_001142571.2); c.145-531T>C (NM_133629.3).
Identifiers: ClinVar variation 416198 (VCV000416198.17), dbSNP rs921214343, ClinGen allele CA16615317.
Genomic context (GRCh38, chr17:35,107,012, plus strand): 5'-TCAGAATCTCAATGGAACCCAGCATCCTGCCCTTACCTGTTCCTCCTCATCCTGGGTTTT[A>G]GCCTGAAGCAGCTGGAGGAGGCGGGAAGCTGTCAGCCCTCCATTGGAATCTACATATAGG-3'
Protein context (NP_002869.3, residues 142-162): TASRLLQLLQ[Ala152=]KTQDEEEQAE